The following is an entry in ClinVar:

ClinVar aggregate classification (germline): Benign/Likely benign. Review status: criteria provided, multiple submitters, no conflicts (2 of 4 stars). 2 submissions from 2 submitters: Benign (1); Likely benign (1). Last evaluated 2026-06-01.

Conditions:
KMT2C-related disorder. Also called: KMT2C-related disorders; KMT2C-related condition.

Allele frequency attached by ClinVar (database versions not stated): gnomAD exomes 0.00006; ExAC 0.00007; gnomAD 0.00014 and 0.00015; TOPMed 0.00019; ESP Exome Variant Server 0.00023.
gnomAD v4.1: 103 of 1,614,052 alleles (0.0064%); highest among the groups gnomAD compares: African/African-American, 0.043%; 1 homozygote.

Submissions (2):

PreventionGenetics, part of Exact Sciences
Classification: Likely benign for KMT2C-related condition. Last evaluated: 2026-06-01. Review status: criteria provided, single submitter. Criteria: ACMG Guidelines, 2015. Collection method: clinical testing. Allele origin: germline.
Comment: This variant is classified as likely benign based on ACMG/AMP sequence variant interpretation guidelines (Richards et al. 2015 PMID: 25741868, with internal and published modifications).

Labcorp Genetics (formerly Invitae), Labcorp
Classification: Benign. Last evaluated: 2025-01-27. Review status: criteria provided, single submitter. Criteria: Invitae Variant Classification Sherloc (09022015). Collection method: clinical testing. Allele origin: germline.

NM_170606.3(KMT2C):c.11093C>T (p.Thr3698Met)

Gene: KMT2C (lysine methyltransferase 2C; minus strand). Cytogenetic location: 7q36.1.
Variant type: single nucleotide variant.
Coding change: c.11093C>T on transcript NM_170606.3 (MANE Select); coding-DNA position 11093, C replaced by T.
Protein change: p.Thr3698Met; replaces threonine 3698 with methionine.
Molecular consequence: missense variant.
Genome position (GRCh38, 1-based): chr7:152,162,484, G>A on the plus strand (C>T on the coding strand, the complement: KMT2C is on the minus strand). VCF-style: chr7-152162484-G-A. GRCh37 (hg19) VCF-style: chr7-151859569-G-A.
Other names: c.11093C>T (NM_170606.2); short protein forms T3698M.
Identifiers: ClinVar variation 1434396 (VCV001434396.7), dbSNP rs138747124, ClinGen allele CA4579173.